The following is an entry in ClinVar:

ClinVar aggregate classification (germline): Uncertain significance. Review status: criteria provided, multiple submitters, no conflicts (2 of 4 stars). 2 submissions from 2 submitters: Uncertain significance (2). Last evaluated 2025-09-06.

Conditions:
Polyglucosan body myopathy type 1 (PGBM1). Also called: POLYGLUCOSAN BODY MYOPATHY WITHOUT IMMUNODEFICIENCY; Polyglucosan body myopathy 1 with or without immunodeficiency. Identifiers: Orphanet 329173, Orphanet 397937, MedGen C4014605, MONDO:0014389, OMIM 615895.

Allele frequency attached by ClinVar (database versions not stated): gnomAD exomes 0.00003 and 0.00009; TOPMed 0.00004; gnomAD 0.00006; ExAC 0.00003.

Submissions (2):

Mayo Clinic Laboratories, Mayo Clinic
Classification: Uncertain significance. Last evaluated: 2025-09-06. Review status: criteria provided, single submitter. Criteria: ACMG Guidelines, 2015. Collection method: clinical testing. Allele origin: germline. Observed: 1 variant allele.
Comment: BP4

Labcorp Genetics (formerly Invitae), Labcorp
Classification: Uncertain significance for Polyglucosan body myopathy type 1. Last evaluated: 2022-07-12. Review status: criteria provided, single submitter. Criteria: Invitae Variant Classification Sherloc (09022015). Collection method: clinical testing. Allele origin: germline.
Comment: This sequence change replaces arginine, which is basic and polar, with tryptophan, which is neutral and slightly polar, at codon 120 of the RBCK1 protein (p.Arg120Trp). This variant is present in population databases (rs774464341, gnomAD 0.04%). This variant has not been reported in the literature in individuals affected with RBCK1-related conditions. ClinVar contains an entry for this variant (Variation ID: 653650). Algorithms developed to predict the effect of missense changes on protein structure and function are either unavailable or do not agree on the potential impact of this missense change (SIFT: "Not Available"; PolyPhen-2: "Possibly Damaging"; Align-GVGD: "Not Available"). In summary, the available evidence is currently insufficient to determine the role of this variant in disease. Therefore, it has been classified as a Variant of Uncertain Significance.

NM_031229.4(RBCK1):c.358C>T (p.Arg120Trp)

Gene: RBCK1 (RANBP2-type and C3HC4-type zinc finger containing 1; plus strand). Cytogenetic location: 20p13.
Variant type: single nucleotide variant.
Coding change: c.358C>T on transcript NM_031229.4 (MANE Select); coding-DNA position 358, C replaced by T.
Protein change: p.Arg120Trp; replaces arginine 120 with tryptophan.
Molecular consequence: missense variant. On other transcripts: synonymous variant (2), non-coding transcript variant (1).
Genome position (GRCh38, 1-based): chr20:417,828, C>T. VCF-style: chr20-417828-C-T. GRCh37 (hg19) VCF-style: chr20-398472-C-T.
Other names: p.Arg120Trp; c.9C>T, p.Cys3= (NM_001323956.2, NM_001323958.2); c.232C>T, p.Arg78Trp (NM_006462.6); short protein forms R120W, R78W.
Identifiers: ClinVar variation 653650 (VCV000653650.5), dbSNP rs774464341, ClinGen allele CA9723054.
Genomic context (GRCh38, chr20:417,828, plus strand): 5'-CAGTGGGTGATTGGGCAGCGGCTGGCACGAGACCAGGAGACCCTGCACTCCCATGGGGTG[C>T]GGCAGAATGGGGACAGTGCCTACCTCTATCTGCTGTCAGCCCGCAACACCTCCCTCAACC-3'
Protein context (NP_112506.2, residues 110-130): DQETLHSHGV[Arg120Trp]QNGDSAYLYL